The following is an entry in ClinVar:

NM_001130965.3(SUN1):c.1420A>C (p.Thr474Pro)

Gene: SUN1 (Sad1 and UNC84 domain containing 1; plus strand). Cytogenetic location: 7p22.3.
Variant type: single nucleotide variant.
Coding change: c.1420A>C on transcript NM_001130965.3 (MANE Select); coding-DNA position 1420, A replaced by C.
Protein change: p.Thr474Pro; replaces threonine 474 with proline.
Molecular consequence: missense variant. On other transcripts: non-coding transcript variant (3).
Genome position (GRCh38, 1-based): chr7:857,853, A>C. VCF-style: chr7-857853-A-C. GRCh37 (hg19) VCF-style: chr7-897490-A-C.
Other names: c.1111A>C, p.Thr371Pro (NM_001171944.2); c.1420A>C, p.Thr474Pro (NM_001367633.1, NM_001367634.1, NM_001367653.1); c.1069A>C, p.Thr357Pro (NM_001367635.1); c.1660A>C, p.Thr554Pro (NM_001367636.1, NM_001367691.1); c.1528A>C, p.Thr510Pro (NM_001367638.1); c.961A>C, p.Thr321Pro (NM_001367639.1); c.1600A>C, p.Thr534Pro (NM_001367640.1); c.1702A>C, p.Thr568Pro (NM_001367641.1, NM_001367682.1); and 44 more; short protein forms T371P, T391P, T418P, T428P, T441P, T448P, T451P, T483P.
Identifiers: ClinVar variation 1371427 (VCV001371427.9), dbSNP rs781596220, ClinGen allele CA4112234.
Genomic context (GRCh38, chr7:857,853, plus strand): 5'-CTTGTGTGTGACCCATTCTCACTGTTGGATTCCAGTGCGGTTGGTGAGCAGCTCCTGCCC[A>C]CAGTCGAGCACCTCCAGCTGGAGCTGGATCAGCTAAAGTCAGAGCTGTCCAGCTGGCGAC-3'
Protein context (NP_001124437.1, residues 464-484): ISAVGEQLLP[Thr474Pro]VEHLQLELDQ

ClinVar aggregate classification (germline): Uncertain significance. Review status: criteria provided, multiple submitters, no conflicts (2 of 4 stars). 2 submissions from 2 submitters: Uncertain significance (2). Last evaluated 2025-05-19.

Conditions:
Emery-Dreifuss muscular dystrophy (EDMD). Also called: Scapuloperoneal syndrome, X-linked (formerly); Humeroperoneal neuromuscular disease, (formerly). Identifiers: Orphanet 261, MedGen C0410189, MONDO:0016830.

Allele frequency attached by ClinVar (database versions not stated): ExAC 0.00003; gnomAD exomes 0.00003; TOPMed 0.00003.
gnomAD v4.1: 12 of 1,591,982 alleles (0.00075%); highest among the groups gnomAD compares: Admixed American, 0.016%; no homozygotes.

Submissions (2):

Labcorp Genetics (formerly Invitae), Labcorp
Classification: Uncertain significance for Emery-Dreifuss muscular dystrophy. Last evaluated: 2025-05-19. Review status: criteria provided, single submitter. Criteria: Invitae Variant Classification Sherloc (09022015). Collection method: clinical testing. Allele origin: germline.
Comment: This sequence change replaces threonine, which is neutral and polar, with proline, which is neutral and non-polar, at codon 474 of the SUN1 protein (p.Thr474Pro). This variant is present in population databases (rs781596220, gnomAD 0.02%). This variant has not been reported in the literature in individuals affected with SUN1-related conditions. ClinVar contains an entry for this variant (Variation ID: 1371427). An algorithm developed to predict the effect of missense changes on protein structure and function (PolyPhen-2) suggests that this variant is likely to be tolerated. In summary, the available evidence is currently insufficient to determine the role of this variant in disease. Therefore, it has been classified as a Variant of Uncertain Significance.

Ambry Genetics
Classification: Uncertain significance. Last evaluated: 2024-05-14. Review status: criteria provided, single submitter. Criteria: Ambry Variant Classification Scheme 2023. Collection method: clinical testing. Allele origin: germline.